The following is an entry in ClinVar:

NM_021957.4(GYS2):c.585A>G (p.Lys195=)

Gene: GYS2 (glycogen synthase 2; minus strand). Cytogenetic location: 12p12.1.
Variant type: single nucleotide variant.
Coding change: c.585A>G on transcript NM_021957.4 (MANE Select); coding-DNA position 585, A replaced by G.
Protein change: p.Lys195=; no amino-acid change (lysine 195 retained).
Molecular consequence: synonymous variant.
Genome position (GRCh38, 1-based): chr12:21,574,237, T>C on the plus strand (A>G on the coding strand, the complement: GYS2 is on the minus strand). VCF-style: chr12-21574237-T-C. GRCh37 (hg19) VCF-style: chr12-21727171-T-C.
Identifiers: ClinVar variation 4981362 (VCV004981362.1).
Genomic context (GRCh38, chr12:21,574,237, plus strand): 5'-TGCACAGAGATACCTCCCAAGTAGTGTAGCGTGGGTTGTAAATATTGTGGCAATAGGAAG[T>C]TTCCTGGCTCGAGAAAGGATCAGTCCAATTCCAGCCTGCCATTCATGGAATTGGGCAACG-3'
Protein context (NP_068776.2, residues 185-205): GIGLILSRAR[Lys195=]LPIATIFTTH

ClinVar aggregate classification (germline): Likely benign (1 of 4 stars; one submission).

Conditions:
GYS2-related disorder. Also called: GYS2-related condition.

gnomAD v4.1: 5 of 1,613,610 alleles (0.00031%); highest among the groups gnomAD compares: Non-Finnish European, 0.00042%; no homozygotes.

Submission:

PreventionGenetics, part of Exact Sciences
Classification: Likely benign for GYS2-related condition. Last evaluated: 2026-04-15. Review status: criteria provided, single submitter. Criteria: ACMG Guidelines, 2015. Collection method: clinical testing. Allele origin: germline.
Comment: This variant is classified as likely benign based on ACMG/AMP sequence variant interpretation guidelines (Richards et al. 2015 PMID: 25741868, with internal and published modifications).